The following is an entry in ClinVar:

ClinVar aggregate classification (germline): Uncertain significance (1 of 4 stars; one submission).

Allele frequency attached by ClinVar (database versions not stated): ExAC 0.00001; TOPMed 0.00001.
gnomAD v4.1: 5 of 1,611,248 alleles (0.00031%); highest among the groups gnomAD compares: Non-Finnish European, 0.00042%; no homozygotes.

Submission:

Labcorp Genetics (formerly Invitae), Labcorp
Classification: Uncertain significance. Last evaluated: 2021-06-19. Review status: criteria provided, single submitter. Criteria: Invitae Variant Classification Sherloc (09022015). Collection method: clinical testing. Allele origin: germline.
Comment: In summary, the available evidence is currently insufficient to determine the role of this variant in disease. Therefore, it has been classified as a Variant of Uncertain Significance. Algorithms developed to predict the effect of missense changes on protein structure and function are either unavailable or do not agree on the potential impact of this missense change (SIFT: "Deleterious"; PolyPhen-2: "Benign"; Align-GVGD: "Class C0"). This variant has not been reported in the literature in individuals with SNIP1-related conditions. This variant is present in population databases (rs751582496, ExAC 0.002%). This sequence change replaces arginine with histidine at codon 288 of the SNIP1 protein (p.Arg288His). The arginine residue is highly conserved and there is a small physicochemical difference between arginine and histidine.

NM_024700.4(SNIP1):c.863G>A (p.Arg288His)

Genes: SNIP1 (Smad nuclear interacting protein 1; minus strand), LOC126805704 (BRD4-independent group 4 enhancer GRCh37_chr1:38005292-38006491; plus strand). Cytogenetic location: 1p34.3.
Variant type: single nucleotide variant.
Coding change: c.863G>A on transcript NM_024700.4 (MANE Select); coding-DNA position 863, G replaced by A.
Protein change: p.Arg288His; replaces arginine 288 with histidine.
Molecular consequence: missense variant.
Genome position (GRCh38, 1-based): chr1:37,540,220, C>T on the plus strand (G>A on the coding strand, the complement: SNIP1 is on the minus strand). VCF-style: chr1-37540220-C-T. GRCh37 (hg19) VCF-style: chr1-38005821-C-T.
Other names: short protein forms R288H.
Identifiers: ClinVar variation 1362318 (VCV001362318.8), dbSNP rs751582496, ClinGen allele CA771262.